The following is an entry in ClinVar:

ClinVar aggregate classification (germline): Uncertain significance (1 of 4 stars; one submission).

Allele frequency attached by ClinVar (database versions not stated): TOPMed 0.00001.

Submission:

Labcorp Genetics (formerly Invitae), Labcorp
Classification: Uncertain significance. Last evaluated: 2022-06-13. Review status: criteria provided, single submitter. Criteria: Invitae Variant Classification Sherloc (09022015). Collection method: clinical testing. Allele origin: germline.
Comment: In summary, the available evidence is currently insufficient to determine the role of this variant in disease. Therefore, it has been classified as a Variant of Uncertain Significance. Advanced modeling of protein sequence and biophysical properties (such as structural, functional, and spatial information, amino acid conservation, physicochemical variation, residue mobility, and thermodynamic stability) performed at Invitae indicates that this missense variant is expected to disrupt MYO7A protein function. This variant has not been reported in the literature in individuals affected with MYO7A-related conditions. This variant is not present in population databases (gnomAD no frequency). This sequence change replaces aspartic acid, which is acidic and polar, with valine, which is neutral and non-polar, at codon 342 of the MYO7A protein (p.Asp342Val).

NM_000260.4(MYO7A):c.1025A>T (p.Asp342Val)

Gene: MYO7A (myosin VIIA; plus strand). Cytogenetic location: 11q13.5.
Variant type: single nucleotide variant.
Coding change: c.1025A>T on transcript NM_000260.4 (MANE Select); coding-DNA position 1025, A replaced by T.
Protein change: p.Asp342Val; replaces aspartic acid 342 with valine.
Molecular consequence: missense variant.
Genome position (GRCh38, 1-based): chr11:77,159,468, A>T. VCF-style: chr11-77159468-A-T. GRCh37 (hg19) VCF-style: chr11-76870514-A-T.
Other names: c.1025A>T, p.Asp342Val (NM_001127180.2); c.992A>T, p.Asp331Val (NM_001369365.1); short protein forms D331V, D342V.
Identifiers: ClinVar variation 1377562 (VCV001377562.6), dbSNP rs1952789142, ClinGen allele CA381933885.
Genomic context (GRCh38, chr11:77,159,468, plus strand): 5'-CCCTCCCTCCCCTGATGCTGTGCCCCTTGCTGCCAACAGCACGCACATTTGAAAACCTGG[A>T]TGCCTGTGAGGTTCTCTTCTCCCCATCGCTGGCCACAGCTGCATCCCTGCTTGAGGTCAG-3'
Protein context (NP_000251.3, residues 332-352): QYEARTFENL[Asp342Val]ACEVLFSPSL